The following is an entry in ClinVar:

NC_000017.11:g.(?_43099769)_(43124102_?)del

Genes: BRCA1 (BRCA1 DNA repair associated; minus strand), LOC110485084 (BRCA1 intronic recombination region; plus strand), LOC111589216 (BRCA1 intron 2 regulatory region; plus strand). Cytogenetic location: 17q21.31.
Variant type: Deletion.
Identifiers: ClinVar variation 531547 (VCV000531547.3).

ClinVar aggregate classification (germline): Pathogenic (1 of 4 stars; one submission).

Conditions:
Hereditary breast ovarian cancer syndrome. Also called: Hereditary breast and ovarian cancer syndrome (HBOC); BRCA1- and BRCA2-Associated Hereditary Breast and Ovarian Cancer; Hereditary breast and ovarian cancer syndrome; Breast and ovarian cancer; Hereditary breast and ovarian cancer; Hereditary breast and/or ovarian cancer syndrome. Identifiers: Orphanet 145, MedGen C0677776, MeSH D061325, MONDO:0003582. Disease mechanism: loss of function.

Submission:

Labcorp Genetics (formerly Invitae), Labcorp
Classification: Pathogenic for Hereditary breast ovarian cancer syndrome. Last evaluated: 2017-12-03. Review status: criteria provided, single submitter. Criteria: Invitae Variant Classification Sherloc (09022015). Collection method: clinical testing. Allele origin: germline.
Comment: This variant has not been reported in the literature in individuals with BRCA1-related disease. For these reasons, this variant has been classified as Pathogenic. Loss-of-function variants in BRCA1 are known to be pathogenic (PMID: 20104584). This variant is a gross deletion of the genomic region encompassing exons 2-7 of the BRCA1 gene, which includes the initiator codon. The 5' end of this event is unknown as it extends beyond the assayed region for this gene and therefore may encompass additional genes. The 3' boundary is likely confined to intron 7 of the BRCA1 gene. This is expected to result in an absent or disrupted protein product.

Literature cited by the submitters: PubMed 20104584.